The following is an entry in ClinVar:

NM_000574.5(CD55):c.691A>G (p.Ile231Val)

Gene: CD55 (CD55 molecule (Cromer blood group); plus strand). Cytogenetic location: 1q32.2.
Variant type: single nucleotide variant.
Coding change: c.691A>G on transcript NM_000574.5 (MANE Select); coding-DNA position 691, A replaced by G.
Protein change: p.Ile231Val; replaces isoleucine 231 with valine.
Molecular consequence: missense variant. On other transcripts: non-coding transcript variant (1).
Genome position (GRCh38, 1-based): chr1:207,331,134, A>G. VCF-style: chr1-207331134-A-G. GRCh37 (hg19) VCF-style: chr1-207504479-A-G.
Other names: c.691A>G, p.Ile231Val (NM_001114752.3, NM_001300902.2, NM_001300903.2 and 1 more transcripts); short protein forms I231V.
Identifiers: ClinVar variation 1517110 (VCV001517110.4), dbSNP rs147483928, ClinGen allele CA1368079.

ClinVar aggregate classification (germline): Uncertain significance. Review status: criteria provided, multiple submitters, no conflicts (2 of 4 stars). 2 submissions from 2 submitters: Uncertain significance (2). Last evaluated 2024-07-17.

Allele frequency attached by ClinVar (database versions not stated): ESP Exome Variant Server 0.00008; ExAC 0.00012; gnomAD exomes 0.00012 and 0.00016; 1000 Genomes Project 30x 0.00016; gnomAD 0.00017 and 0.00018; 1000 Genomes Project 0.00020; TOPMed 0.00028.
gnomAD v4.1: 258 of 1,613,024 alleles (0.016%); highest among the groups gnomAD compares: Admixed American, 0.03%; no homozygotes.

Submissions (2):

Blueprint Genetics
Classification: Uncertain significance. Last evaluated: 2024-07-17. Review status: criteria provided, single submitter. Criteria: ACMG Guidelines, 2015. Collection method: clinical testing. Allele origin: germline.

Labcorp Genetics (formerly Invitae), Labcorp
Classification: Uncertain significance. Last evaluated: 2022-08-16. Review status: criteria provided, single submitter. Criteria: Invitae Variant Classification Sherloc (09022015). Collection method: clinical testing. Allele origin: germline.
Comment: This sequence change replaces isoleucine, which is neutral and non-polar, with valine, which is neutral and non-polar, at codon 231 of the CD55 protein (p.Ile231Val). This variant is present in population databases (rs147483928, gnomAD 0.02%). This variant has not been reported in the literature in individuals affected with CD55-related conditions. ClinVar contains an entry for this variant (Variation ID: 1517110). Algorithms developed to predict the effect of missense changes on protein structure and function output the following: SIFT: "Tolerated"; PolyPhen-2: "Probably Damaging"; Align-GVGD: "Class C0". The valine amino acid residue is found in multiple mammalian species, which suggests that this missense change does not adversely affect protein function. Algorithms developed to predict the effect of sequence changes on RNA splicing suggest that this variant may create or strengthen a splice site. In summary, the available evidence is currently insufficient to determine the role of this variant in disease. Therefore, it has been classified as a Variant of Uncertain Significance.